The following is an entry in ClinVar:

NM_001267550.2(TTN):c.13423del (p.Asp4475fs)

Gene: TTN (titin; minus strand). Cytogenetic location: 2q31.2.
Variant type: Deletion.
Coding change: c.13423del on transcript NM_001267550.2 (MANE Select); coding-DNA position 13423, one base deleted (G; older notation c.13423delG).
Protein change: p.Asp4475fs; shifts the reading frame from aspartic acid 4475.
Molecular consequence: frameshift variant. On other transcripts: intron variant (1).
Genome position (GRCh38, 1-based): chr2:178,739,810, C deleted on the plus strand (G on the coding strand, the reverse complement: TTN is on the minus strand); the first of 3 consecutive C bases (chr2:178,739,810-178,739,812); deleting any one gives the same sequence. VCF-style (leftmost placement, unchanged base first): chr2-178739809-TC-T. GRCh37 (hg19) VCF-style: chr2-179604536-TC-T.
Other names: c.12472del, p.Asp4158fs (NM_001256850.1); c.12334del, p.Asp4112fs (NM_003319.4); c.12709del, p.Asp4237fs (NM_133432.3); c.12910del, p.Asp4304fs (NM_133437.4); c.10361-1450del (NM_133378.4); short protein forms D4112fs, D4158fs, D4237fs, D4304fs, D4475fs.
Identifiers: ClinVar variation 3382734 (VCV003382734.3).

ClinVar aggregate classification (germline): Likely pathogenic (1 of 4 stars; one submission).

Conditions:
Dilated cardiomyopathy 1G (CMD1G). Identifiers: Orphanet 154, MedGen C1858763, MONDO:0011400, OMIM 604145.
Hypertrophic cardiomyopathy 9. Also called: Familial hypertrophic cardiomyopathy 9. Identifiers: MedGen C1861065, MONDO:0013412, OMIM 613765.
Early-onset myopathy with fatal cardiomyopathy (CMYO5). Also called: Salih Myopathy; CONGENITAL MYOPATHY 5 WITH CARDIOMYOPATHY. Identifiers: Orphanet 289377, MedGen C2673677, MONDO:0012714, OMIM 611705. Disease mechanism: loss of function.
Tibial muscular dystrophy (TMD). Also called: Tibial muscular dystrophy, tardive; Udd Distal Myopathy – Tibial Muscular Dystrophy; UDD MYOPATHY. Identifiers: Orphanet 609, MedGen C1838244, MONDO:0010870, OMIM 600334.
Autosomal recessive limb-girdle muscular dystrophy type 2J (LGMDR10). Also called: MUSCULAR DYSTROPHY, LIMB-GIRDLE, AUTOSOMAL RECESSIVE 10; Limb-girdle muscular dystrophy, type 2J. Identifiers: Orphanet 140922, MedGen C1837342, MONDO:0012127, OMIM 608807.
Myopathy, myofibrillar, 9, with early respiratory failure (MFM9). Also called: EDSTROM MYOPATHY; Myopathy, distal, with early respiratory failure, autosomal dominant; Hereditary myopathy with early respiratory failure; MYOPATHY, PROXIMAL, WITH EARLY RESPIRATORY MUSCLE INVOLVEMENT. Identifiers: Orphanet 178464, Orphanet 34521, MedGen C1863599, MONDO:0011362, OMIM 603689.

Submission:

Juno Genomics, Hangzhou Juno Genomics, Inc
Classification: Likely pathogenic for Early-onset myopathy with fatal cardiomyopathy; Dilated cardiomyopathy 1G; Hypertrophic cardiomyopathy 9; Autosomal recessive limb-girdle muscular dystrophy type 2J; Myopathy, myofibrillar, 9, with early respiratory failure; Tibial muscular dystrophy. Review status: criteria provided, single submitter. Criteria: ACMG Guidelines, 2015. Collection method: clinical testing. Allele origin: germline.
Comment: Null variant in a gene where loss of function (LOF) is a known mechanism of disease.;Absent from controls (or at extremely low frequency if recessive) in Genome Aggregation Database.